The following is an entry in ClinVar:

ClinVar aggregate classification (germline): Uncertain significance (1 of 4 stars; one submission).

Submission:

Labcorp Genetics (formerly Invitae), Labcorp
Classification: Uncertain significance. Last evaluated: 2025-08-23. Review status: criteria provided, single submitter. Criteria: Invitae Variant Classification Sherloc (09022015). Collection method: clinical testing. Allele origin: germline.
Comment: This sequence change replaces serine, which is neutral and polar, with proline, which is neutral and non-polar, at codon 115 of the SNX14 protein (p.Ser115Pro). This variant is not present in population databases (gnomAD no frequency). This variant has not been reported in the literature in individuals affected with SNX14-related conditions. Invitae Evidence Modeling of protein sequence and biophysical properties (such as structural, functional, and spatial information, amino acid conservation, physicochemical variation, residue mobility, and thermodynamic stability) indicates that this missense variant is not expected to disrupt SNX14 protein function with a negative predictive value of 80%. In summary, the available evidence is currently insufficient to determine the role of this variant in disease. Therefore, it has been classified as a Variant of Uncertain Significance.

NM_153816.6(SNX14):c.343T>C (p.Ser115Pro)

Gene: SNX14 (sorting nexin 14; minus strand). Cytogenetic location: 6q14.3.
Variant type: single nucleotide variant.
Coding change: c.343T>C on transcript NM_153816.6 (MANE Select); coding-DNA position 343, T replaced by C.
Protein change: p.Ser115Pro; replaces serine 115 with proline.
Molecular consequence: missense variant. On other transcripts: 5 prime UTR variant (9), non-coding transcript variant (6).
Genome position (GRCh38, 1-based): chr6:85,572,211, A>G on the plus strand (T>C on the coding strand, the complement: SNX14 is on the minus strand). VCF-style: chr6-85572211-A-G. GRCh37 (hg19) VCF-style: chr6-86281929-A-G.
Other names: c.343T>C, p.Ser115Pro (NM_001297614.3, NM_001350536.2, NM_001350538.2 and 3 more transcripts); c.187T>C, p.Ser63Pro (NM_001304479.2, NM_001350542.2, NM_001350544.2); c.406T>C, p.Ser136Pro (NM_001350532.2); c.340T>C, p.Ser114Pro (NM_001350533.2, NM_001350534.2, NM_001350535.2 and 1 more transcripts); c.184T>C, p.Ser62Pro (NM_001350539.2, NM_001350543.2); c.-58T>C (NM_001350545.2, NM_001350546.2); c.-623T>C (NM_001350547.2); c.-677T>C (NM_001350548.2); and 3 more; short protein forms S62P, S114P, S115P, S63P, S136P.
Identifiers: ClinVar variation 4779420 (VCV004779420.1).